The following is an entry in ClinVar:

ClinVar aggregate classification (germline): Likely pathogenic (1 of 4 stars; one submission).

Conditions:
Fabry disease. Also called: ALPHA-GALACTOSIDASE A DEFICIENCY; ANDERSON-FABRY DISEASE; CERAMIDE TRIHEXOSIDASE DEFICIENCY; GLA DEFICIENCY; HEREDITARY DYSTOPIC LIPIDOSIS; Angiokeratoma corporis diffusum. Identifiers: Orphanet 324, MedGen C0002986, MONDO:0010526, OMIM 301500, HP:0001071. Disease mechanism: Fabry disease is due to inactivating mutations in the X-linked GLA gene resulting in deficiency of the enzyme Alpha Galactosidase-A., loss of function.

Submission:

Genomenon, Inc
Classification: Likely pathogenic for Fabry disease. Last evaluated: 2026-09-08. Review status: criteria provided, single submitter. Criteria: Genomenon Sequence Variant Interpretation Standards - Updated. Collection method: curation. Allele origin: germline. Affected: yes.
Comment: GLA p.Leu16His (c.47T>A) is a missense variant that changes the amino acid at codon 16 from Leucine to Histidine. This variant has been observed in at least one proband with clinical features consistent with Fabry disease (PMID:30988410). The variant was found to segregate with disease in at least one affected family (PMID:30988410). At least one functional study has demonstrated a substantial alteration in protein function relative to the wild-type (PMID:27657681). It is absent or not present at a significant frequency in gnomAD. In conclusion, we classify GLA p.Leu16His (c.47T>A) as a likely pathogenic variant.

Literature cited by the submitters: PubMed 30988410; PubMed 27657681.

NM_000169.3(GLA):c.47T>A (p.Leu16His)

Genes: GLA (galactosidase alpha; minus strand), RPL36A-HNRNPH2 (RPL36A-HNRNPH2 readthrough; plus strand). Cytogenetic location: Xq22.1.
Variant type: single nucleotide variant.
Coding change: c.47T>A on transcript NM_000169.3 (MANE Select); coding-DNA position 47, T replaced by A.
Protein change: p.Leu16His; replaces leucine 16 with histidine.
Molecular consequence: missense variant. On other transcripts: non-coding transcript variant (3), intron variant (2).
Genome position (GRCh38, 1-based): chrX:101,407,857, A>T on the plus strand (T>A on the coding strand, the complement: GLA is on the minus strand). VCF-style: chrX-101407857-A-T. GRCh37 (hg19) VCF-style: chrX-100662845-A-T.
Other names: c.47T>A, p.Leu16His (NM_001406747.1, NM_001406748.1, NM_001406749.1); c.301-4079A>T (NM_001199973.2); c.178-4079A>T (NM_001199974.2); short protein forms L16H.
Identifiers: ClinVar variation 4087293 (VCV004087293.2).